The following is an entry in ClinVar:

ClinVar aggregate classification (germline): Uncertain significance (1 of 4 stars; one submission).

Allele frequency attached by ClinVar (database versions not stated): gnomAD exomes below 0.00001; TOPMed below 0.00001.
gnomAD v4.1: 3 of 1,613,712 alleles (0.00019%); highest among the groups gnomAD compares: African/African-American, 0.0013%; no homozygotes.

Submission:

Labcorp Genetics (formerly Invitae), Labcorp
Classification: Uncertain significance. Last evaluated: 2025-06-20. Review status: criteria provided, single submitter. Criteria: Invitae Variant Classification Sherloc (09022015). Collection method: clinical testing. Allele origin: germline.
Comment: This sequence change replaces arginine, which is basic and polar, with glutamine, which is neutral and polar, at codon 267 of the B4GALT1 protein (p.Arg267Gln). This variant is not present in population databases (gnomAD no frequency). This variant has not been reported in the literature in individuals affected with B4GALT1-related conditions. ClinVar contains an entry for this variant (Variation ID: 1038234). Invitae Evidence Modeling of protein sequence and biophysical properties (such as structural, functional, and spatial information, amino acid conservation, physicochemical variation, residue mobility, and thermodynamic stability) indicates that this missense variant is expected to disrupt B4GALT1 protein function with a positive predictive value of 80%. In summary, the available evidence is currently insufficient to determine the role of this variant in disease. Therefore, it has been classified as a Variant of Uncertain Significance.

NM_001497.4(B4GALT1):c.800G>A (p.Arg267Gln)

Gene: B4GALT1 (beta-1,4-galactosyltransferase 1; minus strand). Cytogenetic location: 9p21.1.
Variant type: single nucleotide variant.
Coding change: c.800G>A on transcript NM_001497.4 (MANE Select); coding-DNA position 800, G replaced by A.
Protein change: p.Arg267Gln; replaces arginine 267 with glutamine.
Molecular consequence: missense variant. On other transcripts: intron variant (1).
Genome position (GRCh38, 1-based): chr9:33,120,455, C>T on the plus strand (G>A on the coding strand, the complement: B4GALT1 is on the minus strand). VCF-style: chr9-33120455-C-T. GRCh37 (hg19) VCF-style: chr9-33120453-C-T.
Other names: c.761G>A, p.Arg254Gln (NM_001378495.1); c.800G>A, p.Arg267Gln (NM_001378496.1); c.648+14734G>A (NM_001378497.1); short protein forms R267Q, R254Q.
Identifiers: ClinVar variation 1038234 (VCV001038234.7), dbSNP rs1840004075, ClinGen allele CA373185206.
Genomic context (GRCh38, chr9:33,120,455, plus strand): 5'-AGATTCTGACTGAGTATCTCTTACCTGAATCCAAACTTATCCATTGCAACGGAAATGTGC[C>T]GTGGCTGTGAAAAACACCTGTACGCATTATGGTCATTCATTGGAATGAGGTCCACGTCAC-3'
Protein context (NP_001488.2, residues 257-277): HNAYRCFSQP[Arg267Gln]HISVAMDKFG